The following is an entry in ClinVar:

ClinVar aggregate classification (germline): Benign/Likely benign. Review status: criteria provided, multiple submitters, no conflicts (2 of 4 stars). 7 submissions from 7 submitters: Benign (2); Likely benign (5). Last evaluated 2026-02-02.

Conditions:
Tuberous sclerosis 2 (TSC2). Identifiers: Orphanet 805, MedGen C1860707, MONDO:0013199, OMIM 613254.
Hereditary cancer-predisposing syndrome. Also called: Neoplastic Syndromes, Hereditary; Hereditary Cancer Syndrome; Tumor predisposition; Hereditary neoplastic syndrome. Identifiers: Orphanet 140162, MedGen C0027672, MeSH D009386, MONDO:0015356.
Tuberous sclerosis syndrome (TSC). Also called: Tuberous Sclerosis Complex; Tuberous sclerosis. Identifiers: Orphanet 805, MedGen C0041341, MONDO:0001734.

Allele frequency attached by ClinVar (database versions not stated): gnomAD 0.00003 and below 0.00001; gnomAD exomes 0.00005 and 0.00010; TOPMed below 0.00001; ExAC 0.00012.
gnomAD v4.1: 74 of 1,612,618 alleles (0.0046%); highest among the groups gnomAD compares: South Asian, 0.081%; 2 homozygotes.

Submissions (7):

Labcorp Genetics (formerly Invitae), Labcorp
Classification: Benign for Tuberous sclerosis 2. Last evaluated: 2026-02-02. Review status: criteria provided, single submitter. Criteria: Invitae Variant Classification Sherloc (09022015). Collection method: clinical testing. Allele origin: germline.

Myriad Genetics, Inc.
Classification: Likely benign for Tuberous sclerosis 2. Last evaluated: 2024-08-27. Review status: criteria provided, single submitter. Criteria: Myriad Autosomal Dominant, Autosomal Recessive and X-Linked Classification Criteria (2023). Collection method: clinical testing. Allele origin: unknown.
Comment: This variant is considered likely benign. This variant has been observed at a population frequency that is significantly greater than expected given the associated disease prevalence and penetrance.

All of Us Research Program, National Institutes of Health
Classification: Likely benign for Tuberous sclerosis syndrome. Last evaluated: 2023-11-02. Review status: criteria provided, single submitter. Criteria: ACMG Guidelines, 2015. Collection method: clinical testing. Allele origin: germline. Inheritance: Autosomal dominant inheritance. Observed: 1 variant allele, 1 heterozygote.
Comment: This study involves interpretation of variants in research participants for the purpose of population health screening. Participant phenotype was not available at the time of variant classification. Additional details can be found in publication PMID: 35346344, PMCID: PMC8962531

Color Diagnostics, LLC DBA Color Health
Classification: Likely benign for Tuberous sclerosis syndrome. Last evaluated: 2023-10-25. Review status: criteria provided, single submitter. Criteria: ACMG Guidelines, 2015. Collection method: clinical testing. Allele origin: germline.

Ambry Genetics
Classification: Likely benign for Hereditary cancer-predisposing syndrome. Last evaluated: 2022-02-08. Review status: criteria provided, single submitter. Criteria: Ambry Variant Classification Scheme 2023. Collection method: clinical testing. Allele origin: germline.

Genome-Nilou Lab
Classification: Benign for Tuberous sclerosis 2. Last evaluated: 2021-11-07. Review status: criteria provided, single submitter. Criteria: ACMG Guidelines, 2015. Collection method: clinical testing. Allele origin: germline. Affected: no.

GeneDx
Classification: Likely benign. Last evaluated: 2020-05-29. Review status: criteria provided, single submitter. Criteria: GeneDx Variant Classification Process June 2021. Collection method: clinical testing. Allele origin: germline. Affected: yes.

NM_000548.5(TSC2):c.716T>G (p.Phe239Cys)

Gene: TSC2 (TSC complex subunit 2; plus strand). Cytogenetic location: 16p13.3.
Variant type: single nucleotide variant.
Coding change: c.716T>G on transcript NM_000548.5 (MANE Select); coding-DNA position 716, T replaced by G.
Protein change: p.Phe239Cys; replaces phenylalanine 239 with cysteine.
Molecular consequence: missense variant.
Genome position (GRCh38, 1-based): chr16:2,056,711, T>G. VCF-style: chr16-2056711-T-G. GRCh37 (hg19) VCF-style: chr16-2106712-T-G.
Other names: p.F239C:TTC>TGC; c.716T>G, p.Phe239Cys (NM_001077183.3, NM_001114382.3, NM_001363528.2 and 3 more transcripts); c.605T>G, p.Phe202Cys (NM_001318827.2); c.569T>G, p.Phe190Cys (NM_001318829.2); c.116T>G, p.Phe39Cys (NM_001318831.2); c.749T>G, p.Phe250Cys (NM_001318832.2); short protein forms F239C, F202C, F190C, F39C, F250C.
Identifiers: ClinVar variation 207705 (VCV000207705.21), dbSNP rs778544723, ClinGen allele CA056200.